The following is an entry in ClinVar:

NM_013352.4(DSE):c.2129C>T (p.Ala710Val)

Gene: DSE (dermatan sulfate epimerase; plus strand). Cytogenetic location: 6q22.1.
Variant type: single nucleotide variant.
Coding change: c.2129C>T on transcript NM_013352.4 (MANE Select); coding-DNA position 2129, C replaced by T.
Protein change: p.Ala710Val; replaces alanine 710 with valine.
Molecular consequence: missense variant. On other transcripts: 3 prime UTR variant (2), non-coding transcript variant (1).
Genome position (GRCh38, 1-based): chr6:116,436,597, C>T. VCF-style: chr6-116436597-C-T. GRCh37 (hg19) VCF-style: chr6-116757760-C-T.
Other names: c.2129C>T, p.Ala710Val (NM_001080976.3, NM_001322937.2, NM_001322938.2); c.2186C>T, p.Ala729Val (NM_001322939.2); c.1568C>T, p.Ala523Val (NM_001322940.2, NM_001322941.2); c.*994C>T (NM_001322943.2, NM_001322944.2); c.1130C>T, p.Ala377Val (NM_001374520.1); c.1094C>T, p.Ala365Val (NM_001374521.1); c.2129C>T (NM_013352.2); short protein forms A365V, A377V, A523V, A710V, A729V.
Identifiers: ClinVar variation 1410958 (VCV001410958.5), dbSNP rs533772643, ClinGen allele CA3969764.
Genomic context (GRCh38, chr6:116,436,597, plus strand): 5'-GCAAACATGCCTACGCCACATACCTGTGGACAGGTGAGGCCACAGGACAGTCTGCCTTTG[C>T]ACAGGTCATTGCTGATCGTCACAAAATTCTGTTTGACCGGAATTCAGCCATCAAGAGCAG-3'
Protein context (NP_037484.1, residues 700-720): TGEATGQSAF[Ala710Val]QVIADRHKIL

ClinVar aggregate classification (germline): Uncertain significance. Review status: criteria provided, multiple submitters, no conflicts (2 of 4 stars). 3 submissions from 3 submitters: Uncertain significance (3). Last evaluated 2025-09-28.

Conditions:
Ehlers-Danlos syndrome, musculocontractural type 2 (EDSMC2). Identifiers: Orphanet 2953, MedGen C3809845, MONDO:0014236, OMIM 615539.
Inborn genetic diseases. Identifiers: MedGen C0950123, MeSH D030342.

Allele frequency attached by ClinVar (database versions not stated): gnomAD exomes 0.00001 and 0.00008; ExAC 0.00011; gnomAD 0.00019 and 0.00021; TOPMed 0.00026; 1000 Genomes Project 0.00040; 1000 Genomes Project 30x 0.00047.
gnomAD v4.1: 51 of 1,614,182 alleles (0.0032%); highest among the groups gnomAD compares: African/African-American, 0.051%; no homozygotes.

Submissions (3):

Ambry Genetics
Classification: Uncertain significance for Inborn genetic diseases. Last evaluated: 2025-09-28. Review status: criteria provided, single submitter. Criteria: Ambry Variant Classification Scheme 2023. Collection method: clinical testing. Allele origin: germline.

Blueprint Genetics
Classification: Uncertain significance. Last evaluated: 2024-05-21. Review status: criteria provided, single submitter. Criteria: ACMG Guidelines, 2015. Collection method: clinical testing. Allele origin: germline.

Labcorp Genetics (formerly Invitae), Labcorp
Classification: Uncertain significance for Ehlers-Danlos syndrome, musculocontractural type 2. Last evaluated: 2022-07-26. Review status: criteria provided, single submitter. Criteria: Invitae Variant Classification Sherloc (09022015). Collection method: clinical testing. Allele origin: germline.
Comment: This sequence change replaces alanine with valine at codon 710 of the DSE protein (p.Ala710Val). The alanine residue is highly conserved and there is a small physicochemical difference between alanine and valine. This variant is present in population databases (rs533772643, gnomAD 0.09%). This variant has not been reported in the literature in individuals affected with DSE-related conditions. ClinVar contains an entry for this variant (Variation ID: 1410958). Algorithms developed to predict the effect of missense changes on protein structure and function are either unavailable or do not agree on the potential impact of this missense change (SIFT: "Not Available"; PolyPhen-2: "Benign"; Align-GVGD: "Not Available"). In summary, the available evidence is currently insufficient to determine the role of this variant in disease. Therefore, it has been classified as a Variant of Uncertain Significance.